The following is an entry in ClinVar:

NM_002878.4(RAD51D):c.350G>A (p.Cys117Tyr)

Genes: RAD51L3-RFFL (RAD51L3-RFFL readthrough; minus strand), RAD51D (RAD51 paralog D; minus strand). Cytogenetic location: 17q12.
Variant type: single nucleotide variant.
Coding change: c.350G>A on transcript NM_002878.4 (MANE Select); coding-DNA position 350, G replaced by A.
Protein change: p.Cys117Tyr; replaces cysteine 117 with tyrosine.
Molecular consequence: missense variant. On other transcripts: non-coding transcript variant (1), intron variant (1).
Genome position (GRCh38, 1-based): chr17:35,107,118, C>T on the plus strand (G>A on the coding strand, the complement: RAD51D is on the minus strand). VCF-style: chr17-35107118-C-T. GRCh37 (hg19) VCF-style: chr17-33434137-C-T.
Other names: c.410G>A, p.Cys137Tyr (NM_001142571.2); c.145-637G>A (NM_133629.3); short protein forms C117Y, C137Y.
Identifiers: ClinVar variation 3627715 (VCV003627715.3).

ClinVar aggregate classification (germline): Uncertain significance. Review status: criteria provided, multiple submitters, no conflicts (2 of 4 stars). 2 submissions from 2 submitters: Uncertain significance (2). Last evaluated 2025-09-12.

Conditions:
Breast-ovarian cancer, familial, susceptibility to, 4. Identifiers: Orphanet 145, MedGen C3280345, MONDO:0013669, OMIM 614291.
Hereditary cancer-predisposing syndrome. Also called: Tumor predisposition; Hereditary neoplastic syndrome; Neoplastic Syndromes, Hereditary; Hereditary Cancer Syndrome. Identifiers: Orphanet 140162, MedGen C0027672, MeSH D009386, MONDO:0015356.

Submissions (2):

Color Diagnostics, LLC DBA Color Health
Classification: Uncertain significance for Hereditary cancer-predisposing syndrome. Last evaluated: 2025-09-12. Review status: criteria provided, single submitter. Criteria: ACMG Guidelines, 2015. Collection method: clinical testing. Allele origin: germline.
Comment: This missense variant replaces cysteine with tyrosine at codon 117 of the RAD51D protein. Computational prediction is inconclusive regarding the impact of this variant on protein structure and function. To our knowledge, functional studies have not been reported for this variant. This variant has not been reported in individuals affected with RAD51D-related disorders in the literature. This variant has not been identified in the general population by the Genome Aggregation Database (gnomAD). The available evidence is insufficient to determine the role of this variant in disease conclusively. Therefore, this variant is classified as a Variant of Uncertain Significance.

Labcorp Genetics (formerly Invitae), Labcorp
Classification: Uncertain significance for Breast-ovarian cancer, familial, susceptibility to, 4. Last evaluated: 2025-05-05. Review status: criteria provided, single submitter. Criteria: Invitae Variant Classification Sherloc (09022015). Collection method: clinical testing. Allele origin: germline.
Comment: This sequence change replaces cysteine, which is neutral and slightly polar, with tyrosine, which is neutral and polar, at codon 117 of the RAD51D protein (p.Cys117Tyr). This variant is not present in population databases (gnomAD no frequency). This variant has not been reported in the literature in individuals affected with RAD51D-related conditions. ClinVar contains an entry for this variant (Variation ID: 3627715). Invitae Evidence Modeling of protein sequence and biophysical properties (such as structural, functional, and spatial information, amino acid conservation, physicochemical variation, residue mobility, and thermodynamic stability) indicates that this missense variant is expected to disrupt RAD51D protein function with a positive predictive value of 80%. In summary, the available evidence is currently insufficient to determine the role of this variant in disease. Therefore, it has been classified as a Variant of Uncertain Significance.